The following is an entry in ClinVar:

ClinVar aggregate classification (germline): Uncertain significance. Review status: criteria provided, multiple submitters, no conflicts (2 of 4 stars). 2 submissions from 2 submitters: Uncertain significance (2). Last evaluated 2025-01-06.

Conditions:
Pitt-Hopkins-like syndrome 2 (PTHSL2). Identifiers: Orphanet 221150, Orphanet 600663, MedGen C3280479, MONDO:0013690, OMIM 614325.

Submissions (2):

Labcorp Genetics (formerly Invitae), Labcorp
Classification: Uncertain significance for Pitt-Hopkins-like syndrome 2. Last evaluated: 2025-01-06. Review status: criteria provided, single submitter. Criteria: Invitae Variant Classification Sherloc (09022015). Collection method: clinical testing. Allele origin: germline.
Comment: This sequence change replaces serine, which is neutral and polar, with glycine, which is neutral and non-polar, at codon 722 of the NRXN1 protein (p.Ser722Gly). This variant is not present in population databases (gnomAD no frequency). This variant has not been reported in the literature in individuals affected with NRXN1-related conditions. ClinVar contains an entry for this variant (Variation ID: 1502468). An algorithm developed to predict the effect of missense changes on protein structure and function (PolyPhen-2) suggests that this variant is likely to be disruptive. In summary, the available evidence is currently insufficient to determine the role of this variant in disease. Therefore, it has been classified as a Variant of Uncertain Significance.

Women's Health and Genetics/Laboratory Corporation of America, LabCorp
Classification: Uncertain significance. Last evaluated: 2023-05-10. Review status: criteria provided, single submitter. Criteria: LabCorp Variant Classification Summary - May 2015. Collection method: clinical testing. Allele origin: germline.
Comment: Variant summary: NRXN1 c.2164A>G (p.Ser722Gly) results in a non-conservative amino acid change in the encoded protein sequence. Three of five in-silico tools predict a benign effect of the variant on protein function. The variant was absent in 249280 control chromosomes. The available data on variant occurrences in the general population are insufficient to allow any conclusion about variant significance. To our knowledge, no occurrence of c.2164A>G in individuals affected with Pitt-Hopkins-Like Syndrome 2 and no experimental evidence demonstrating its impact on protein function have been reported. One clinical diagnostic laboratory has submitted clinical-significance assessments for this variant to ClinVar after 2014 and classified the variant as uncertain significance. Based on the evidence outlined above, the variant was classified as uncertain significance.

NM_001330078.2(NRXN1):c.2044A>G (p.Ser682Gly)

Gene: NRXN1 (neurexin 1; minus strand). Cytogenetic location: 2p16.3.
Variant type: single nucleotide variant.
Coding change: c.2044A>G on transcript NM_001330078.2 (MANE Select); coding-DNA position 2044, A replaced by G.
Protein change: p.Ser682Gly; replaces serine 682 with glycine.
Molecular consequence: missense variant.
Genome position (GRCh38, 1-based): chr2:50,538,352, T>C on the plus strand (A>G on the coding strand, the complement: NRXN1 is on the minus strand). VCF-style: chr2-50538352-T-C. GRCh37 (hg19) VCF-style: chr2-50765490-T-C.
Other names: c.2164A>G (NM_001135659.2); c.2164A>G, p.Ser722Gly (NM_001135659.3); c.2020A>G, p.Ser674Gly (NM_001330077.2, NM_001330082.2, NM_001330095.2); c.2005A>G, p.Ser669Gly (NM_001330083.2, NM_001330084.2); c.2044A>G, p.Ser682Gly (NM_001330085.2, NM_001330086.2, NM_004801.6); c.1960A>G, p.Ser654Gly (NM_001330087.2, NM_001330096.2); c.1990A>G, p.Ser664Gly (NM_001330088.2); c.2041A>G, p.Ser681Gly (NM_001330093.2); and 1 more; short protein forms S669G, S682G, S722G, S664G, S654G, S674G, S678G, S681G.
Identifiers: ClinVar variation 1502468 (VCV001502468.8), dbSNP rs2105259007, ClinGen allele CA346770355.